The following is an entry in ClinVar:

NM_003126.4(SPTA1):c.3357G>C (p.Lys1119Asn)

Gene: SPTA1 (spectrin alpha, erythrocytic 1; minus strand). Cytogenetic location: 1q23.1.
Variant type: single nucleotide variant.
Coding change: c.3357G>C on transcript NM_003126.4 (MANE Select); coding-DNA position 3357, G replaced by C.
Protein change: p.Lys1119Asn; replaces lysine 1119 with asparagine.
Molecular consequence: missense variant.
Genome position (GRCh38, 1-based): chr1:158,652,485, C>G on the plus strand (G>C on the coding strand, the complement: SPTA1 is on the minus strand). VCF-style: chr1-158652485-C-G. GRCh37 (hg19) VCF-style: chr1-158622275-C-G.
Other names: p.Lys1119Asn; short protein forms K1119N.
Identifiers: ClinVar variation 393151 (VCV000393151.27), dbSNP rs200230894, ClinGen allele CA1183091.
Genomic context (GRCh38, chr1:158,652,485, plus strand): 5'-GCAAACAATGGCAACCTTCAAGAGAAGGTTCCTCTTTCTCACCTTTTGGAACTCATCAAA[C>G]TTTTTCTGCAGCTCCCAAACATCATCTAGTTCCACTCCAGTGTTTTCTGCCTTTTTCTCT-3'
Protein context (NP_003117.2, residues 1109-1129): ELDDVWELQK[Lys1119Asn]FDEFQKDLNT

ClinVar aggregate classification (germline): Conflicting classifications of pathogenicity. Review status: criteria provided, conflicting classifications (1 of 4 stars). 10 submissions from 8 submitters: Uncertain significance (6); Benign (1); Likely benign (2). 1 of the submissions does not count toward it. Last evaluated 2025-09-09.

Conditions:
SPTA1-related disorder. Also called: SPTA1-related disorders; SPTA1-related condition.
Pyropoikilocytosis, hereditary. Also called: Pyropoikilocytosis. Identifiers: MedGen C0520739, MONDO:0009948, OMIM 266140, HP:0004839. Disease mechanism: loss of function.
Elliptocytosis 2 (EL2). Also called: ELLIPTOCYTOSIS, RHESUS-UNLINKED TYPE. Identifiers: Orphanet 288, MedGen C1851741, MONDO:0007533, OMIM 130600.
Hereditary spherocytosis type 3. Also called: Spherocytosis type 3; SPTA1-Related Spherocytosis. Identifiers: Orphanet 822, MedGen C2678338, MONDO:0010053, OMIM 270970.

Allele frequency attached by ClinVar (database versions not stated): 1000 Genomes Project 30x 0.00016; 1000 Genomes Project 0.00020; ExAC 0.00063; gnomAD exomes 0.00065; ESP Exome Variant Server 0.00075; gnomAD 0.00086 and 0.00098; TOPMed 0.00100.
gnomAD v4.1: 1,959 of 1,614,140 alleles (0.12%); highest among the groups gnomAD compares: Non-Finnish European, 0.15%; 1 homozygote.

Submissions (10):

Labcorp Genetics (formerly Invitae), Labcorp
Classification: Benign. Last evaluated: 2025-09-09. Review status: criteria provided, single submitter. Criteria: Invitae Variant Classification Sherloc (09022015). Collection method: clinical testing. Allele origin: germline.

Mayo Clinic Laboratories, Mayo Clinic
Classification: Uncertain significance. Last evaluated: 2025-08-13. Review status: criteria provided, single submitter. Criteria: ACMG Guidelines, 2015. Collection method: clinical testing. Allele origin: germline. Observed: 6 variant alleles.

ARUP Laboratories, Molecular Genetics and Genomics, ARUP Laboratories
Classification: Likely benign. Last evaluated: 2025-03-13. Review status: criteria provided, single submitter. Criteria: ARUP Molecular Germline Variant Investigation Process 2024. Collection method: clinical testing. Allele origin: germline.

Revvity Omics, Revvity
Classification: Likely benign. Last evaluated: 2024-05-01. Review status: criteria provided, single submitter. Criteria: ACMG Guidelines, 2015. Collection method: clinical testing. Allele origin: germline.

Illumina Laboratory Services, Illumina
Classification: Uncertain significance for Elliptocytosis 2. Last evaluated: 2018-01-12. Review status: criteria provided, single submitter. Criteria: ICSL Variant Classification Criteria 13 December 2019. Collection method: clinical testing. Allele origin: germline.

Illumina Laboratory Services, Illumina
Classification: Uncertain significance for Pyropoikilocytosis, hereditary. Last evaluated: 2018-01-12. Review status: criteria provided, single submitter. Criteria: ICSL Variant Classification Criteria 13 December 2019. Collection method: clinical testing. Allele origin: germline.

Illumina Laboratory Services, Illumina
Classification: Uncertain significance for Hereditary spherocytosis type 3. Last evaluated: 2018-01-12. Review status: criteria provided, single submitter. Criteria: ICSL Variant Classification Criteria 13 December 2019. Collection method: clinical testing. Allele origin: germline.

GeneDx
Classification: Uncertain significance. Last evaluated: 2017-01-20. Review status: criteria provided, single submitter. Criteria: GeneDx Variant Classification (06012015). Collection method: clinical testing. Allele origin: germline. Affected: yes.
Comment: The K1119N variant in the SPTA1 gene has not been reported previously as a pathogenic variant, nor as a benign variant, to our knowledge. The K1119N variant was not observed at any significant frequency in approximately 6,000 individuals of European and African American ancestry in the NHLBI Exome Sequencing Project, indicating it is not a common benign variant in these populations. The K1119N variant is a semi-conservative amino acid substitution, which may impact secondary protein structure as these residues differ in some properties. This substitution occurs at a position that is conserved across species. In silico analysis predicts this variant is probably damaging to the protein structure/function. We interpret K1119N as a variant of uncertain significance.

CENTOGENE GmbH and LLC - Guiding Precision Medicine
Classification: Uncertain significance for Hereditary spherocytosis type 3. Last evaluated: 2016-03-04. Review status: criteria provided, single submitter. Criteria: ACMG Guidelines, 2015. Collection method: clinical testing. Allele origin: germline.

PreventionGenetics, part of Exact Sciences
Classification: Uncertain significance for SPTA1-related condition. Last evaluated: 2024-08-07. Review status: no assertion criteria provided. Collection method: clinical testing. Allele origin: germline. Not counted in ClinVar's aggregate classification.
Comment: The SPTA1 c.3357G>C variant is predicted to result in the amino acid substitution p.Lys1119Asn. To our knowledge, this variant has not been reported in association with SPTA1-related disorders. This variant is reported in 0.11% of alleles in individuals of European (Non-Finnish) descent in gnomAD. At this time, the clinical significance of this variant is uncertain due to the absence of conclusive functional and genetic evidence.

Literature cited by the submitters: PubMed 36920900 (cited by Mayo Clinic Laboratories, Mayo Clinic).